The following is an entry in ClinVar:

ClinVar aggregate classification (germline): Uncertain significance. Review status: criteria provided, multiple submitters, no conflicts (2 of 4 stars). 2 submissions from 2 submitters: Uncertain significance (2). Last evaluated 2024-08-11.

Conditions:
Hypogonadotropic hypogonadism 5 with or without anosmia (KAL5). Also called: HYPOGONADOTROPIC HYPOGONADISM 5 WITH ANOSMIA; HYPOGONADOTROPHIC HYPOGONADISM 5 WITHOUT ANOSMIA; CHD7-Related GnRH Deficiency (Kallmann Syndrome 5). Identifiers: Orphanet 478, MedGen C3552553, MONDO:0012880, OMIM 612370. Disease mechanism: loss of function.
CHARGE syndrome (CHARGE). Also called: Coloboma, heart anomaly, choanal atresia, retardation, genital and ear anomalies; CHARGE association; Hall-Hittner syndrome; Hittner Hirsch Kreh syndrome; CHARGE ASSOCIATION--COLOBOMA, HEART ANOMALY, CHOANAL ATRESIA, RETARDATION, GENITAL AND EAR ANOMALIES. Identifiers: Orphanet 138, MedGen C0265354, MONDO:0008965.

Allele frequency attached by ClinVar (database versions not stated): TOPMed below 0.00001; gnomAD 0.00001.
gnomAD v4.1: 2 of 1,613,848 alleles (0.00012%); highest among the groups gnomAD compares: African/African-American, 0.0013%; no homozygotes.

Submissions (2):

Labcorp Genetics (formerly Invitae), Labcorp
Classification: Uncertain significance for CHARGE syndrome. Last evaluated: 2024-08-11. Review status: criteria provided, single submitter. Criteria: Invitae Variant Classification Sherloc (09022015). Collection method: clinical testing. Allele origin: germline.
Comment: This sequence change replaces proline, which is neutral and non-polar, with leucine, which is neutral and non-polar, at codon 2552 of the CHD7 protein (p.Pro2552Leu). This variant is not present in population databases (gnomAD no frequency). This variant has not been reported in the literature in individuals affected with CHD7-related conditions. ClinVar contains an entry for this variant (Variation ID: 1505825). Advanced modeling of protein sequence and biophysical properties (such as structural, functional, and spatial information, amino acid conservation, physicochemical variation, residue mobility, and thermodynamic stability) performed at Invitae indicates that this missense variant is not expected to disrupt CHD7 protein function with a negative predictive value of 95%. In summary, the available evidence is currently insufficient to determine the role of this variant in disease. Therefore, it has been classified as a Variant of Uncertain Significance.

Fulgent Genetics
Classification: Uncertain significance for CHD7-related CHARGE syndrome; Hypogonadotropic hypogonadism 5 with or without anosmia. Last evaluated: 2024-02-23. Review status: criteria provided, single submitter. Criteria: ACMG Guidelines, 2015. Collection method: clinical testing. Allele origin: germline.

NM_017780.4(CHD7):c.7655C>T (p.Pro2552Leu)

Gene: CHD7 (chromodomain helicase DNA binding protein 7; plus strand). Cytogenetic location: 8q12.2.
Variant type: single nucleotide variant.
Coding change: c.7655C>T on transcript NM_017780.4 (MANE Select); coding-DNA position 7655, C replaced by T.
Protein change: p.Pro2552Leu; replaces proline 2552 with leucine.
Molecular consequence: missense variant. On other transcripts: intron variant (1).
Genome position (GRCh38, 1-based): chr8:60,860,950, C>T. VCF-style: chr8-60860950-C-T. GRCh37 (hg19) VCF-style: chr8-61773509-C-T.
Other names: c.1717-1279C>T (NM_001316690.1); short protein forms P2552L.
Identifiers: ClinVar variation 1505825 (VCV001505825.9), dbSNP rs1805941132, ClinGen allele CA371304317.
Genomic context (GRCh38, chr8:60,860,950, plus strand): 5'-TGAACTTTCTGCAGGAGGATGCTGAGGTGACCAAAGCTTTTGAAGAAGATATAGAGACCC[C>T]ACCAACAAGAAACATTCCTTCTCCCGGACAGCTGGACCCAGACACACGGATCCCTGTTAT-3'
Protein context (NP_060250.2, residues 2542-2562): TKAFEEDIET[Pro2552Leu]PTRNIPSPGQ